The following is an entry in ClinVar:

NM_001363711.2(DUOX2):c.2525G>C (p.Arg842Pro)

Gene: DUOX2 (dual oxidase 2; minus strand). Cytogenetic location: 15q21.1.
Variant type: single nucleotide variant.
Coding change: c.2525G>C on transcript NM_001363711.2 (MANE Select); coding-DNA position 2525, G replaced by C.
Protein change: p.Arg842Pro; replaces arginine 842 with proline.
Molecular consequence: missense variant.
Genome position (GRCh38, 1-based): chr15:45,104,175, C>G on the plus strand (G>C on the coding strand, the complement: DUOX2 is on the minus strand). VCF-style: chr15-45104175-C-G. GRCh37 (hg19) VCF-style: chr15-45396373-C-G.
Other names: c.2525G>C, p.Arg842Pro (NM_014080.5); short protein forms R842P.
Identifiers: ClinVar variation 3655926 (VCV003655926.2).

ClinVar aggregate classification (germline): Uncertain significance (1 of 4 stars; one submission).

Submission:

Labcorp Genetics (formerly Invitae), Labcorp
Classification: Uncertain significance. Last evaluated: 2024-06-08. Review status: criteria provided, single submitter. Criteria: Invitae Variant Classification Sherloc (09022015). Collection method: clinical testing. Allele origin: germline.
Comment: This sequence change replaces arginine, which is basic and polar, with proline, which is neutral and non-polar, at codon 842 of the DUOX2 protein (p.Arg842Pro). This variant is not present in population databases (gnomAD no frequency). This variant has not been reported in the literature in individuals affected with DUOX2-related conditions. Advanced modeling of protein sequence and biophysical properties (such as structural, functional, and spatial information, amino acid conservation, physicochemical variation, residue mobility, and thermodynamic stability) has been performed at Invitae for this missense variant, however the output from this modeling did not meet the statistical confidence thresholds required to predict the impact of this variant on DUOX2 protein function. In summary, the available evidence is currently insufficient to determine the role of this variant in disease. Therefore, it has been classified as a Variant of Uncertain Significance.